The following is an entry in ClinVar:

ClinVar aggregate classification (germline): Likely benign (1 of 4 stars; one submission).

Submission:

CeGaT Center for Human Genetics Tuebingen
Classification: Likely benign. Last evaluated: 2026-08-01. Review status: criteria provided, single submitter. Criteria: CeGaT Center For Human Genetics Tuebingen Variant Classification Criteria Version 2. Collection method: clinical testing. Allele origin: germline. Affected: yes. Observed: 1 variant allele.
Comment: MROH2B: BS2

NM_173489.5(MROH2B):c.4278dup (p.Ala1427fs)

Gene: MROH2B (maestro heat like repeat family member 2B; minus strand). Cytogenetic location: 5p13.1.
Variant type: Duplication.
Coding change: c.4278dup on transcript NM_173489.5 (MANE Select); coding-DNA position 4278, one base duplicated (T; older notation c.4278dupT).
Protein change: p.Ala1427fs; shifts the reading frame from alanine 1427.
Molecular consequence: frameshift variant.
Genome position (GRCh38, 1-based): chr5:41,000,750, A duplicated on the plus strand (T on the coding strand, the reverse complement: MROH2B is on the minus strand); the first of 8 consecutive A bases (chr5:41,000,750-41,000,757); duplicating any one gives the same sequence. VCF-style (leftmost placement, unchanged base first): chr5-41000749-C-CA. GRCh37 (hg19) VCF-style: chr5-41000851-C-CA.
Other names: short protein forms A1427fs.
Identifiers: ClinVar variation 5038479 (VCV005038479.1).